The following is an entry in ClinVar:

NM_015512.5(DNAH1):c.11492G>A (p.Arg3831His)

Gene: DNAH1 (dynein axonemal heavy chain 1; plus strand). Cytogenetic location: 3p21.1.
Variant type: single nucleotide variant.
Coding change: c.11492G>A on transcript NM_015512.5 (MANE Select); coding-DNA position 11492, G replaced by A.
Protein change: p.Arg3831His; replaces arginine 3831 with histidine.
Molecular consequence: missense variant.
Genome position (GRCh38, 1-based): chr3:52,396,679, G>A. VCF-style: chr3-52396679-G-A. GRCh37 (hg19) VCF-style: chr3-52430695-G-A.
Other names: short protein forms R3831H.
Identifiers: ClinVar variation 3761520 (VCV003761520.2).

ClinVar aggregate classification (germline): Uncertain significance (1 of 4 stars; one submission).

Conditions:
Spermatogenic failure 18. Identifiers: MedGen C4539783, MONDO:0054615, OMIM 617576.
Ciliary dyskinesia, primary, 37 (CILD37). Also called: CILIARY DYSKINESIA, PRIMARY, 37, WITH OR WITHOUT SITUS INVERSUS. Identifiers: MedGen C4539798, MONDO:0033204, OMIM 617577.

gnomAD v4.1: 9 of 1,613,600 alleles (0.00056%); highest among the groups gnomAD compares: Non-Finnish European, 0.00042%; no homozygotes.

Submission:

Labcorp Genetics (formerly Invitae), Labcorp
Classification: Uncertain significance for Ciliary dyskinesia, primary, 37; Spermatogenic failure 18. Last evaluated: 2024-06-03. Review status: criteria provided, single submitter. Criteria: Invitae Variant Classification Sherloc (09022015). Collection method: clinical testing. Allele origin: germline.
Comment: This sequence change replaces arginine, which is basic and polar, with histidine, which is basic and polar, at codon 3831 of the DNAH1 protein (p.Arg3831His). The frequency data for this variant in the population databases is considered unreliable, as metrics indicate poor data quality at this position in the gnomAD database. This variant has not been reported in the literature in individuals affected with DNAH1-related conditions. Advanced modeling of protein sequence and biophysical properties (such as structural, functional, and spatial information, amino acid conservation, physicochemical variation, residue mobility, and thermodynamic stability) performed at Invitae indicates that this missense variant is expected to disrupt DNAH1 protein function with a positive predictive value of 80%. In summary, the available evidence is currently insufficient to determine the role of this variant in disease. Therefore, it has been classified as a Variant of Uncertain Significance.